The following is an entry in ClinVar:

NM_002471.4(MYH6):c.1703G>T (p.Arg568Leu)

Gene: MYH6 (myosin heavy chain 6; minus strand). Cytogenetic location: 14q11.2.
Variant type: single nucleotide variant.
Coding change: c.1703G>T on transcript NM_002471.4 (MANE Select); coding-DNA position 1703, G replaced by T.
Protein change: p.Arg568Leu; replaces arginine 568 with leucine.
Molecular consequence: missense variant.
Genome position (GRCh38, 1-based): chr14:23,398,916, C>A on the plus strand (G>T on the coding strand, the complement: MYH6 is on the minus strand). VCF-style: chr14-23398916-C-A. GRCh37 (hg19) VCF-style: chr14-23868125-C-A.
Other names: short protein forms R568L.
Identifiers: ClinVar variation 3297467 (VCV003297467.3).

ClinVar aggregate classification (germline): Uncertain significance. Review status: criteria provided, multiple submitters, no conflicts (2 of 4 stars). 2 submissions from 2 submitters: Uncertain significance (2). Last evaluated 2024-09-12.

Conditions:
Hypertrophic cardiomyopathy 14. Identifiers: MedGen C2750467, MONDO:0013197, OMIM 613251.
Cardiovascular phenotype. Identifiers: MedGen CN230736.

Submissions (2):

Labcorp Genetics (formerly Invitae), Labcorp
Classification: Uncertain significance for Hypertrophic cardiomyopathy 14. Last evaluated: 2024-09-12. Review status: criteria provided, single submitter. Criteria: Invitae Variant Classification Sherloc (09022015). Collection method: clinical testing. Allele origin: germline.
Comment: This sequence change replaces arginine, which is basic and polar, with leucine, which is neutral and non-polar, at codon 568 of the MYH6 protein (p.Arg568Leu). This variant is not present in population databases (gnomAD no frequency). This variant has not been reported in the literature in individuals affected with MYH6-related conditions. Invitae Evidence Modeling of protein sequence and biophysical properties (such as structural, functional, and spatial information, amino acid conservation, physicochemical variation, residue mobility, and thermodynamic stability) indicates that this missense variant is not expected to disrupt MYH6 protein function with a negative predictive value of 80%. In summary, the available evidence is currently insufficient to determine the role of this variant in disease. Therefore, it has been classified as a Variant of Uncertain Significance.

Ambry Genetics
Classification: Uncertain significance for Cardiovascular phenotype. Last evaluated: 2024-05-19. Review status: criteria provided, single submitter. Criteria: Ambry Variant Classification Scheme 2023. Collection method: clinical testing. Allele origin: germline.
Comment: The p.R568L variant (also known as c.1703G>T), located in coding exon 13 of the MYH6 gene, results from a G to T substitution at nucleotide position 1703. The arginine at codon 568 is replaced by leucine, an amino acid with dissimilar properties. This amino acid position is conserved. In addition, this alteration is predicted to be tolerated by in silico analysis. Based on the available evidence, the clinical significance of this variant remains unclear.